The following is an entry in ClinVar:

NM_025265.4(TSEN2):c.1357del (p.Trp453fs)

Gene: TSEN2 (tRNA splicing endonuclease subunit 2; plus strand). Cytogenetic location: 3p25.2.
Variant type: Deletion.
Coding change: c.1357del on transcript NM_025265.4 (MANE Select); coding-DNA position 1357, one base deleted (T; older notation c.1357delT).
Protein change: p.Trp453fs; shifts the reading frame from tryptophan 453.
Molecular consequence: frameshift variant. On other transcripts: non-coding transcript variant (1), intron variant (1).
Genome position (GRCh38, 1-based): chr3:12,532,680, T deleted. VCF-style (leftmost placement, unchanged base first): chr3-12532679-AT-A. GRCh37 (hg19) VCF-style: chr3-12574178-AT-A.
Other names: c.1357del, p.Trp453fs (NM_001145392.2, NM_001321277.2); c.1279del, p.Trp427fs (NM_001145393.3, NM_001321279.2); c.1180del, p.Trp394fs (NM_001145394.2); c.1338+1021del (NM_001321278.2); short protein forms W394fs, W453fs, W427fs.
Identifiers: ClinVar variation 2796756 (VCV002796756.3), dbSNP rs2470069768, ClinGen allele CA2739279324.
Genomic context (GRCh38, chr3:12,532,679, plus strand): 5'-CATTTCTGTTTTAAGAAATGGTCTTTTTTTTTATTGGTTGTAGGAGGTGATTCTGAGTCG[AT>A]GGGTTTCTTCACGAGAGAGGAGTGACCAAGACGATCTTTAACAATTCAACCTCAAATTTC-3'

ClinVar aggregate classification (germline): Uncertain significance (1 of 4 stars; one submission).

Submission:

Labcorp Genetics (formerly Invitae), Labcorp
Classification: Uncertain significance. Last evaluated: 2023-02-18. Review status: criteria provided, single submitter. Criteria: Invitae Variant Classification Sherloc (09022015). Collection method: clinical testing. Allele origin: germline.
Comment: In summary, the available evidence is currently insufficient to determine the role of this variant in disease. Therefore, it has been classified as a Variant of Uncertain Significance. Experimental studies and prediction algorithms are not available or were not evaluated, and the functional significance of this variant is currently unknown. This variant has not been reported in the literature in individuals affected with TSEN2-related conditions. This variant is not present in population databases (gnomAD no frequency). This sequence change results in a frameshift in the TSEN2 gene (p.Trp453Glyfs*21). While this is not anticipated to result in nonsense mediated decay, it is expected to disrupt the last 13 amino acid(s) of the TSEN2 protein and extend the protein by 7 additional amino acid residues.